The following is an entry in ClinVar:

NM_001035.3(RYR2):c.688G>A (p.Gly230Ser)

Gene: RYR2 (ryanodine receptor 2; plus strand). Cytogenetic location: 1q43.
Variant type: single nucleotide variant.
Coding change: c.688G>A on transcript NM_001035.3 (MANE Select); coding-DNA position 688, G replaced by A.
Protein change: p.Gly230Ser; replaces glycine 230 with serine.
Molecular consequence: missense variant.
Genome position (GRCh38, 1-based): chr1:237,388,098, G>A. VCF-style: chr1-237388098-G-A. GRCh37 (hg19) VCF-style: chr1-237551398-G-A.
Other names: short protein forms G230S.
Identifiers: ClinVar variation 4757970 (VCV004757970.1).

ClinVar aggregate classification (germline): Uncertain significance (1 of 4 stars; one submission).

Conditions:
Cardiomyopathy (CMYO). Also called: Cardiomyopathies. Identifiers: Orphanet 167848, MedGen C0878544, MONDO:0004994, HP:0001638. Inheritance: Various modes of inheritance.

Submission:

Color Diagnostics, LLC DBA Color Health
Classification: Uncertain significance for Cardiomyopathy. Last evaluated: 2025-08-30. Review status: criteria provided, single submitter. Criteria: ACMG Guidelines, 2015. Collection method: clinical testing. Allele origin: germline.
Comment: This missense variant replaces glycine with serine at codon 230 of the RYR2 protein. Computational prediction is inconclusive regarding the impact of this variant on protein structure and function. To our knowledge, functional studies have not been reported for this variant. This variant has not been reported in individuals affected with RYR2-related disorders in the literature. This variant has not been identified in the general population by the Genome Aggregation Database (gnomAD). The available evidence is insufficient to determine the role of this variant in disease conclusively. Therefore, this variant is classified as a Variant of Uncertain Significance.